The following is an entry in ClinVar:

NC_000016.9:g.(89846366_89849266)_(89883056_?)del

Gene: FANCA (FA complementation group A; minus strand). Cytogenetic location: 16q24.3.
Variant type: Deletion.
Identifiers: ClinVar variation 3768663 (VCV003768663.1).

ClinVar aggregate classification (germline): Pathogenic (1 of 4 stars; one submission).

Conditions:
Fanconi anemia (FA). Also called: Fanconi's anemia. Identifiers: Orphanet 84, MedGen C0015625, MeSH D005199, MONDO:0019391.

Submission:

Women's Health and Genetics/Laboratory Corporation of America, LabCorp
Classification: Pathogenic for Fanconi anemia. Last evaluated: 2025-02-10. Review status: criteria provided, single submitter. Criteria: LabCorp Variant Classification Summary - May 2015. Collection method: clinical testing. Allele origin: germline.
Comment: Variant summary: The variant involves the deletion of exons 1-17 in the FANCA gene. The exact breakpoint at the 5' end of this variant is unknown, therefore this deletion may extend upstream of the annotated region of this gene. Although the exact breakpoints of this deletion are not known, it is predicted to remove the initiation codon and result in an absence of protein or a truncation of the encoded protein due to translation initiation at a downstream site. A presumed nomenclature of c.(?_-33)_(1626+1_1627-1)del has been designated for the purposes of this classification. The variant was absent in 19544 control chromosomes. c.(?_-33)_(1626+1_1627-1)del has been reported in the literature in individuals affected with Fanconi Anemia (example: Kimble_2018). The following publication has been ascertained in the context of this evaluation (PMID: 29098742). ClinVar contains an entry for this variant (Variation ID: 3243234). Based on the evidence outlined above, the variant was classified as pathogenic.

Literature cited by the submitters: PubMed 29098742.